The following is an entry in ClinVar:

ClinVar aggregate classification (germline): Uncertain significance (1 of 4 stars; one submission).

Conditions:
Primary ciliary dyskinesia. Also called: Ciliary dyskinesia. Identifiers: Orphanet 244, MedGen C0008780, MONDO:0016575, HP:0012265.

Submission:

Labcorp Genetics (formerly Invitae), Labcorp
Classification: Uncertain significance for Primary ciliary dyskinesia. Last evaluated: 2024-12-02. Review status: criteria provided, single submitter. Criteria: Invitae Variant Classification Sherloc (09022015). Collection method: clinical testing. Allele origin: germline.
Comment: This variant, c.1816_1818del, results in the deletion of 1 amino acid(s) of the DRC1 protein (p.Glu606del), but otherwise preserves the integrity of the reading frame. This variant is not present in population databases (gnomAD no frequency). This variant has not been reported in the literature in individuals affected with DRC1-related conditions. ClinVar contains an entry for this variant (Variation ID: 2804582). Experimental studies and prediction algorithms are not available or were not evaluated, and the functional significance of this variant is currently unknown. In summary, the available evidence is currently insufficient to determine the role of this variant in disease. Therefore, it has been classified as a Variant of Uncertain Significance.

NM_145038.5(DRC1):c.1816_1818del (p.Glu606del)

Gene: DRC1 (dynein regulatory complex subunit 1; plus strand). Cytogenetic location: 2p23.3.
Variant type: Deletion.
Coding change: c.1816_1818del on transcript NM_145038.5 (MANE Select); coding-DNA positions 1816 to 1818, 3 bases deleted (GAG; older notation c.1816_1818delGAG).
Protein change: p.Glu606del; deletes glutamic acid 606.
Molecular consequence: inframe deletion.
Genome position (GRCh38, 1-based): chr2:26,453,446-26,453,448, GAG deleted; deleting any 3 consecutive bases within chr2:26,453,445-26,453,448 gives the same sequence; the c. name uses the placement nearest the transcript's 3' end. VCF-style (leftmost placement, unchanged base first): chr2-26453444-GGGA-G. GRCh37 (hg19) VCF-style: chr2-26676312-GGGA-G.
Other names: short protein forms E606del.
Identifiers: ClinVar variation 2804582 (VCV002804582.3), dbSNP rs2465451261, ClinGen allele CA2739274161.